The following is an entry in ClinVar:

NM_024675.4(PALB2):c.1987C>A (p.Arg663Ser)

Gene: PALB2 (partner and localizer of BRCA2; minus strand). Cytogenetic location: 16p12.2.
Variant type: single nucleotide variant.
Coding change: c.1987C>A on transcript NM_024675.4 (MANE Select); coding-DNA position 1987, C replaced by A.
Protein change: p.Arg663Ser; replaces arginine 663 with serine.
Molecular consequence: missense variant.
Genome position (GRCh38, 1-based): chr16:23,630,167, G>T on the plus strand (C>A on the coding strand, the complement: PALB2 is on the minus strand). VCF-style: chr16-23630167-G-T. GRCh37 (hg19) VCF-style: chr16-23641488-G-T.
Other names: c.1927C>A, p.Arg643Ser (NM_001407296.1); c.1987C>A, p.Arg663Ser (NM_001407297.1, NM_001407298.1, NM_001407299.1 and 3 more transcripts); c.1102C>A, p.Arg368Ser (NM_001407304.1, NM_001407305.1, NM_001407306.1 and 5 more transcripts); c.199C>A, p.Arg67Ser (NM_001407312.1, NM_001407313.1); short protein forms R368S, R67S, R643S, R663S.
Identifiers: ClinVar variation 1783886 (VCV001783886.2), dbSNP rs62625277, ClinGen allele CA395127234.

ClinVar aggregate classification (germline): Uncertain significance (1 of 4 stars; one submission).

Conditions:
Hereditary cancer-predisposing syndrome. Also called: Neoplastic Syndromes, Hereditary; Tumor predisposition; Hereditary Cancer Syndrome; Hereditary neoplastic syndrome. Identifiers: Orphanet 140162, MedGen C0027672, MeSH D009386, MONDO:0015356.

Submission:

Ambry Genetics
Classification: Uncertain significance for Hereditary cancer-predisposing syndrome. Last evaluated: 2022-07-17. Review status: criteria provided, single submitter. Criteria: Ambry Variant Classification Scheme 2023. Collection method: clinical testing. Allele origin: germline.
Comment: The p.R663S variant (also known as c.1987C>A), located in coding exon 5 of the PALB2 gene, results from a C to A substitution at nucleotide position 1987. The arginine at codon 663 is replaced by serine, an amino acid with dissimilar properties. This amino acid position is conserved. In addition, this alteration is predicted to be tolerated by in silico analysis. Since supporting evidence is limited at this time, the clinical significance of this alteration remains unclear.